The following is an entry in ClinVar:

ClinVar aggregate classification (germline): Uncertain significance (1 of 4 stars; one submission).

Submission:

Dasa
Classification: Uncertain significance. Last evaluated: 2025-09-18. Review status: criteria provided, single submitter. Criteria: DASA Assertion Criteria. Collection method: clinical testing. Allele origin: germline.
Comment: NM_004006.3(DMD):c.1403A>G (p.Glu468Gly) is a missense variant that results in the substitution of glutamic acid with glycine. This variant is absent from population databases. The currently available literature and clinical evidence are not sufficient to establish a definitive association between this variant and the reported condition. Therefore, this variant is classified as a variant of uncertain significance.

NM_004006.3(DMD):c.1403A>G (p.Glu468Gly)

Gene: DMD (dystrophin; minus strand). Cytogenetic location: Xp21.1.
Variant type: single nucleotide variant.
Coding change: c.1403A>G on transcript NM_004006.3 (MANE Select); coding-DNA position 1403, A replaced by G.
Protein change: p.Glu468Gly; replaces glutamic acid 468 with glycine.
Molecular consequence: missense variant.
Genome position (GRCh38, 1-based): chrX:32,614,382, T>C on the plus strand (A>G on the coding strand, the complement: DMD is on the minus strand). VCF-style: chrX-32614382-T-C. GRCh37 (hg19) VCF-style: chrX-32632499-T-C.
Other names: c.1391A>G, p.Glu464Gly (NM_004009.3); c.1034A>G, p.Glu345Gly (NM_004010.3); c.1379A>G, p.Glu460Gly (NM_000109.4); short protein forms E345G, E460G, E464G, E468G.
Identifiers: ClinVar variation 4882408 (VCV004882408.2).
Genomic context (GRCh38, chrX:32,614,382, plus strand): 5'-CGTTTTAGGTCTTCAAGATCAGGTCCAAGAGGCTCTTCCTCCATTTTCCTTGTTCTTTCT[T>C]CTGTTTTTGTTAGCCAGTCATTCAACTCTTTCAGTTTCTGATTCTGGAGATCCATTAAAA-3'
Protein context (NP_003997.2, residues 458-478): KELNDWLTKT[Glu468Gly]ERTRKMEEEP